The following is an entry in ClinVar:

NM_006734.4(HIVEP2):c.6058A>C (p.Ser2020Arg)

Gene: HIVEP2 (HIVEP zinc finger 2; minus strand). Cytogenetic location: 6q24.2.
Variant type: single nucleotide variant.
Coding change: c.6058A>C on transcript NM_006734.4 (MANE Select); coding-DNA position 6058, A replaced by C.
Protein change: p.Ser2020Arg; replaces serine 2020 with arginine.
Molecular consequence: missense variant.
Genome position (GRCh38, 1-based): chr6:142,760,230, T>G on the plus strand (A>C on the coding strand, the complement: HIVEP2 is on the minus strand). VCF-style: chr6-142760230-T-G. GRCh37 (hg19) VCF-style: chr6-143081367-T-G.
Other names: short protein forms S2020R.
Identifiers: ClinVar variation 2431394 (VCV002431394.1), dbSNP rs2482769668, ClinGen allele CA365887956.

ClinVar aggregate classification (germline): Uncertain significance (1 of 4 stars; one submission).

Conditions:
Intellectual developmental disorder, autosomal dominant 43. Also called: Intellectual disability, autosomal dominant 43. Identifiers: MedGen C4707429, MONDO:0014858, OMIM 616977.

Submission:

Laboratorio de Genetica e Diagnostico Molecular, Hospital Israelita Albert Einstein
Classification: Uncertain significance for Intellectual developmental disorder, autosomal dominant 43. Last evaluated: 2022-05-09. Review status: criteria provided, single submitter. Criteria: ACMG Guidelines, 2015. Collection method: clinical testing. Allele origin: germline. Affected: yes. Observed: 1 variant allele.
Comment: ACMG classification criteria: PM2 moderated, BP4 supporting